The following is an entry in ClinVar:

NM_003922.4(HERC1):c.1063G>A (p.Ala355Thr)

Gene: HERC1 (HECT and RLD domain containing E3 ubiquitin protein ligase family member 1; minus strand). Cytogenetic location: 15q22.31.
Variant type: single nucleotide variant.
Coding change: c.1063G>A on transcript NM_003922.4 (MANE Select); coding-DNA position 1063, G replaced by A.
Protein change: p.Ala355Thr; replaces alanine 355 with threonine.
Molecular consequence: missense variant.
Genome position (GRCh38, 1-based): chr15:63,758,333, C>T on the plus strand (G>A on the coding strand, the complement: HERC1 is on the minus strand). VCF-style: chr15-63758333-C-T. GRCh37 (hg19) VCF-style: chr15-64050532-C-T.
Other names: short protein forms A355T.
Identifiers: ClinVar variation 1380563 (VCV001380563.6), dbSNP rs2142113970, ClinGen allele CA392805140.

ClinVar aggregate classification (germline): Uncertain significance (1 of 4 stars; one submission).

Allele frequency attached by ClinVar (database versions not stated): gnomAD exomes below 0.00001.
gnomAD v4.1: 1 of 1,600,602 alleles (0.000062%); highest among the groups gnomAD compares: African/African-American, 0.0013%; no homozygotes.

Submission:

Labcorp Genetics (formerly Invitae), Labcorp
Classification: Uncertain significance. Last evaluated: 2023-08-17. Review status: criteria provided, single submitter. Criteria: Invitae Variant Classification Sherloc (09022015). Collection method: clinical testing. Allele origin: germline.
Comment: This variant is not present in population databases (gnomAD no frequency). This sequence change replaces alanine, which is neutral and non-polar, with threonine, which is neutral and polar, at codon 355 of the HERC1 protein (p.Ala355Thr). This variant has not been reported in the literature in individuals affected with HERC1-related conditions. In summary, the available evidence is currently insufficient to determine the role of this variant in disease. Therefore, it has been classified as a Variant of Uncertain Significance. Advanced modeling of protein sequence and biophysical properties (such as structural, functional, and spatial information, amino acid conservation, physicochemical variation, residue mobility, and thermodynamic stability) performed at Invitae indicates that this missense variant is not expected to disrupt HERC1 protein function. ClinVar contains an entry for this variant (Variation ID: 1380563).